The following is an entry in ClinVar:

ClinVar aggregate classification (germline): Pathogenic. Review status: reviewed by expert panel (3 of 4 stars). 2 submissions from 2 submitters: Pathogenic (1). 1 of the submissions does not count toward it. Last evaluated 2016-10-18.

Conditions:
Breast-ovarian cancer, familial, susceptibility to, 1 (BROVCA1). Also called: BRCA1 Hereditary Breast and Ovarian Cancer; OVARIAN CANCER, SUSCEPTIBILITY TO. Identifiers: Orphanet 145, MedGen C2676676, MONDO:0011450, OMIM 604370. Disease mechanism: loss of function.

Submissions (2):

Evidence-based Network for the Interpretation of Germline Mutant Alleles (ENIGMA)
Classification: Pathogenic for Breast-ovarian cancer, familial, susceptibility to, 1. Last evaluated: 2016-10-18. Review status: reviewed by expert panel. Criteria: ENIGMA BRCA1/2 Classification Criteria (2015). Collection method: curation. Allele origin: germline.
Comment: Variant allele predicted to encode a truncated non-functional protein.

Consortium of Investigators of Modifiers of BRCA1/2 (CIMBA), c/o University of Cambridge
Classification: Pathogenic for Breast-ovarian cancer, familial, susceptibility to, 1. Last evaluated: 2015-10-02. Review status: criteria provided, single submitter. Criteria: CIMBA Mutation Classification guidelines May 2016. Collection method: clinical testing. Allele origin: germline. Not counted in ClinVar's aggregate classification.

NM_007294.4(BRCA1):c.3651dup (p.Ser1218Ter)

Genes: BRCA1 (BRCA1 DNA repair associated; minus strand), LOC126862571 (BRD4-independent group 4 enhancer GRCh37_chr17:41243136-41244335; plus strand). Cytogenetic location: 17q21.31.
Variant type: Duplication.
Coding change: c.3651dup on transcript NM_007294.4 (MANE Select); coding-DNA position 3651, one base duplicated (T; older notation c.3651dupT).
Protein change: p.Ser1218Ter; replaces serine 1218 with a stop codon.
Molecular consequence: nonsense. On other transcripts: intron variant (135).
Genome position (GRCh38, 1-based): chr17:43,091,880, A duplicated on the plus strand (T on the coding strand, the reverse complement: BRCA1 is on the minus strand). VCF-style (leftmost placement, unchanged base first): chr17-43091879-T-TA. GRCh37 (hg19) VCF-style: chr17-41243896-T-TA.
Other names: 3769insT; c.3648dup, p.Ser1217Ter (NM_001407631.1, NM_001407632.1, NM_001407633.1 and 22 more transcripts); c.3651dup, p.Ser1218Ter (NM_001407639.1, NM_001407640.1, NM_001407641.1 and 30 more transcripts); c.3642dup, p.Ser1215Ter (NM_001407646.1, NM_001407647.1); c.3528dup, p.Ser1177Ter (NM_001407648.1, NM_001407664.1, NM_001407665.1 and 19 more transcripts); c.3525dup, p.Ser1176Ter (NM_001407649.1, NM_001407670.1, NM_001407671.1 and 11 more transcripts); c.3573dup, p.Ser1192Ter (NM_001407653.1, NM_001407654.1, NM_001407655.1 and 4 more transcripts); c.3570dup, p.Ser1191Ter (NM_001407659.1, NM_001407660.1, NM_001407661.1 and 1 more transcripts); and 42 more; short protein forms S1171*, S1218*, S1129*, S1148*, S1176*, S1192*, S1217*, S1090*.
Identifiers: ClinVar variation 266397 (VCV000266397.6), dbSNP rs886040157, ClinGen allele CA10589731.